The following is an entry in ClinVar:

NM_138694.4(PKHD1):c.*374T>C

Gene: PKHD1 (PKHD1 ciliary IPT domain containing fibrocystin/polyductin; minus strand). Cytogenetic location: 6p12.3.
Variant type: single nucleotide variant.
Coding change: c.*374T>C on transcript NM_138694.4 (MANE Select); 374 bases downstream of the stop codon, T replaced by C.
Molecular consequence: 3 prime UTR variant.
Genome position (GRCh38, 1-based): chr6:51,618,707, A>G on the plus strand (T>C on the coding strand, the complement: PKHD1 is on the minus strand). VCF-style: chr6-51618707-A-G. GRCh37 (hg19) VCF-style: chr6-51483505-A-G.
Identifiers: ClinVar variation 357398 (VCV000357398.6), dbSNP rs2784201, ClinGen allele CA10627239.

ClinVar aggregate classification (germline): Benign. Review status: criteria provided, multiple submitters, no conflicts (2 of 4 stars). 2 submissions from 2 submitters: Benign (2). Last evaluated 2018-01-12.

Conditions:
Autosomal recessive polycystic kidney disease (ARPKD). Also called: AR polycystic kidney disease. Identifiers: Orphanet 731, Orphanet 8378, MedGen C0085548, MeSH D017044, MONDO:0009889.

Allele frequency attached by ClinVar (database versions not stated): TOPMed 0.99610; gnomAD 0.99623 and 0.99624; 1000 Genomes Project 30x 0.99672; 1000 Genomes Project 0.99681.
gnomAD v4.1: 338,036 of 339,468 alleles (100%); highest among the groups gnomAD compares: Middle Eastern, 100%; 168,312 homozygotes.

Submissions (2):

Illumina Laboratory Services, Illumina
Classification: Benign for Polycystic kidney disease 4. Last evaluated: 2018-01-12. Review status: criteria provided, single submitter. Criteria: ICSL Variant Classification Criteria 13 December 2019. Collection method: clinical testing. Allele origin: germline.
Comment: This variant was observed in the ICSL laboratory as part of a predisposition screen in an ostensibly healthy population. It had not been previously curated by ICSL or reported in the Human Gene Mutation Database (HGMD: prior to June 1st, 2018), and was therefore a candidate for classification through an automated scoring system. Utilizing variant allele frequency, disease prevalence and penetrance estimates, and inheritance mode, an automated score was calculated to assess if this variant is too frequent to cause the disease. Based on the score and internal cut-off values, a variant classified as benign is not then subjected to further curation. The score for this variant resulted in a classification of benign for this disease.

Department of Pathology and Laboratory Medicine, Sinai Health System
Classification: Benign for autosomal recessive polycystic kidney disease. Last evaluated: 2016-02-19. Review status: criteria provided, single submitter. Criteria: ACMG Guidelines, 2015. Collection method: clinical testing. Allele origin: germline.